The following is an entry in ClinVar:

ClinVar aggregate classification (germline): Benign. Review status: criteria provided, multiple submitters, no conflicts (2 of 4 stars). 7 submissions from 7 submitters: Benign (6). 1 of the submissions does not count toward it. Last evaluated 2026-02-04.

Conditions:
Cholestasis, progressive familial intrahepatic, 10 (PFIC10). Identifiers: MedGen C5676981, MONDO:0030810, OMIM 619868.
Congenital microvillous atrophy (DIAR2). Also called: DAVIDSON DISEASE; MICROVILLUS ATROPHY, CONGENITAL; Microvillus inclusion disease; Diarrhea 2 with microvillus atrophy, with or without cholestasis; CONGENITAL FAMILIAL PROTRACTED DIARRHEA WITH ENTEROCYTE BRUSH-BORDER ABNORMALITIES. Identifiers: Orphanet 2290, MedGen C0341306, MONDO:0009635, OMIM 251850.

Allele frequency attached by ClinVar (database versions not stated): gnomAD exomes 0.30138 and 0.34017; ESP Exome Variant Server 0.30170; TOPMed 0.31545; gnomAD 0.31640 and 0.32458; ExAC 0.34201; 1000 Genomes Project 30x 0.39585; 1000 Genomes Project 0.40475.

Submissions (7):

Labcorp Genetics (formerly Invitae), Labcorp
Classification: Benign. Last evaluated: 2026-02-04. Review status: criteria provided, single submitter. Criteria: Invitae Variant Classification Sherloc (09022015). Collection method: clinical testing. Allele origin: germline.

Mayo Clinic Laboratories, Mayo Clinic
Classification: Benign. Last evaluated: 2023-08-22. Review status: criteria provided, single submitter. Criteria: ACMG Guidelines, 2015. Collection method: clinical testing. Allele origin: germline. Observed: 47 variant alleles.
Comment: BA1

Department of Pathology and Laboratory Medicine, Sinai Health System
Classification: Benign for Congenital microvillous atrophy; Cholestasis, progressive familial intrahepatic, 10. Last evaluated: 2023-04-23. Review status: criteria provided, single submitter. Criteria: ACMG Guidelines, 2015. Collection method: research. Allele origin: germline.

Genome-Nilou Lab
Classification: Benign for Congenital microvillous atrophy. Last evaluated: 2021-09-05. Review status: criteria provided, single submitter. Criteria: ACMG Guidelines, 2015. Collection method: clinical testing. Allele origin: germline. Affected: no.

GeneDx
Classification: Benign. Last evaluated: 2018-11-12. Review status: criteria provided, single submitter. Criteria: GeneDx Variant Classification Process June 2021. Collection method: clinical testing. Allele origin: germline. Affected: yes.
Comment: This variant is associated with the following publications: (PMID: 24014347, 28492530, 25111220)

Laboratory for Molecular Medicine, Mass General Brigham Personalized Medicine
Classification: Benign. Last evaluated: 2016-03-28. Review status: criteria provided, single submitter. Criteria: LMM Criteria. Collection method: clinical testing. Allele origin: germline.
Comment: Variant identified in a genome or exome case(s) and assessed due to predicted null impact of the variant or pathogenic assertions in the literature or databases. Disclaimer: This variant has not undergone full assessment. The following are preliminary notes: Frequency

OMIM
Classification: Pathogenic for DIARRHEA 2, WITH MICROVILLUS ATROPHY. Last evaluated: 2025-05-05. Review status: no assertion criteria provided. Collection method: literature only. Allele origin: germline. Not counted in ClinVar's aggregate classification.

Literature cited by the submitters: PubMed 25111220 (cited by OMIM).

NM_001080467.3(MYO5B):c.3163_3165dup (p.Leu1055dup)

Gene: MYO5B (myosin VB; minus strand). Cytogenetic location: 18q21.1.
Variant type: Duplication.
Coding change: c.3163_3165dup on transcript NM_001080467.3 (MANE Select); coding-DNA positions 3163 to 3165, 3 bases duplicated (CTC; older notation c.3163_3165dupCTC).
Protein change: p.Leu1055dup; duplicates leucine 1055.
Molecular consequence: inframe insertion.
Genome position (GRCh38, 1-based): chr18:49,879,056-49,879,058, GAG duplicated on the plus strand (CTC on the coding strand, the reverse complement: MYO5B is on the minus strand). VCF-style (leftmost placement, unchanged base first): chr18-49879055-T-TGAG. GRCh37 (hg19) VCF-style: chr18-47405425-T-TGAG.
Other names: p.Leu1055dup; c.3163_3165dupCTC (NM_001080467.2).
Identifiers: ClinVar variation 327031 (VCV000327031.24), dbSNP rs397841722, ClinGen allele CA8960813.